The following is an entry in ClinVar:

ClinVar aggregate classification (germline): Uncertain significance (1 of 4 stars; one submission).

Conditions:
Developmental and epileptic encephalopathy, 41 (DEE41). Also called: Epileptic encephalopathy, early infantile, 41. Identifiers: MedGen C4310717, MONDO:0014916, OMIM 617105.

Submission:

Laboratorio de Genetica e Diagnostico Molecular, Hospital Israelita Albert Einstein
Classification: Uncertain significance for Developmental and epileptic encephalopathy, 41. Last evaluated: 2022-09-16. Review status: criteria provided, single submitter. Criteria: ACMG Guidelines, 2015. Collection method: clinical testing. Allele origin: germline. Affected: yes. Observed: 1 variant allele.
Comment: ACMG classification criteria: PM2 moderated, PP3 supporting

NM_004171.4(SLC1A2):c.758G>T (p.Gly253Val)

Gene: SLC1A2 (solute carrier family 1 member 2; minus strand). Cytogenetic location: 11p13.
Variant type: single nucleotide variant.
Coding change: c.758G>T on transcript NM_004171.4 (MANE Select); coding-DNA position 758, G replaced by T.
Protein change: p.Gly253Val; replaces glycine 253 with valine.
Molecular consequence: missense variant.
Genome position (GRCh38, 1-based): chr11:35,301,618, C>A on the plus strand (G>T on the coding strand, the complement: SLC1A2 is on the minus strand). VCF-style: chr11-35301618-C-A. GRCh37 (hg19) VCF-style: chr11-35323165-C-A.
Other names: c.731G>T, p.Gly244Val (NM_001195728.3, NM_001252652.2); short protein forms G244V, G253V.
Identifiers: ClinVar variation 2431355 (VCV002431355.1), dbSNP rs1444017721, ClinGen allele CA380126393.